The following is an entry in ClinVar:

NM_000465.4(BARD1):c.1297_1298insTATTAAGTA (p.His433delinsLeuLeuSerAsn)

Gene: BARD1 (BRCA1 associated RING domain 1; minus strand). Cytogenetic location: 2q35.
Variant type: Insertion.
Coding change: c.1297_1298insTATTAAGTA on transcript NM_000465.4 (MANE Select); coding-DNA positions 1297 to 1298, TATTAAGTA inserted.
Protein change: p.His433delinsLeuLeuSerAsn.
Molecular consequence: inframe indel. On other transcripts: non-coding transcript variant (2), intron variant (3).
Genome position: GRCh38 VCF-style: chr2-214780576-T-TTACTTAATA. GRCh37 (hg19) VCF-style: chr2-215645300-T-TTACTTAATA.
Other names: c.1240_1241insTATTAAGTA, p.His414delinsLeuLeuSerAsn (NM_001282543.2); c.159-28022_159-28021insTATTAAGTA (NM_001282548.2); c.215+16484_215+16485insTATTAAGTA (NM_001282545.2); c.364+11720_364+11721insTATTAAGTA (NM_001282549.2).
Identifiers: ClinVar variation 1005936 (VCV001005936.9), dbSNP rs1694936957, ClinGen allele CA1327070891.

ClinVar aggregate classification (germline): Uncertain significance (1 of 4 stars; one submission).

Conditions:
Familial cancer of breast. Also called: Hereditary breast cancer; hereditary breast carcinoma; BREAST CANCER, FAMILIAL. Identifiers: Orphanet 227535, MedGen C0346153, MONDO:0016419, OMIM 114480. Disease mechanism: loss of function.

Submission:

Labcorp Genetics (formerly Invitae), Labcorp
Classification: Uncertain significance for Familial cancer of breast. Last evaluated: 2020-09-16. Review status: criteria provided, single submitter. Criteria: Invitae Variant Classification Sherloc (09022015). Collection method: clinical testing. Allele origin: germline.
Comment: In summary, the available evidence is currently insufficient to determine the role of this variant in disease. Therefore, it has been classified as a Variant of Uncertain Significance. Algorithms developed to predict the effect of sequence changes on RNA splicing suggest that this variant may create or strengthen a splice site, but this prediction has not been confirmed by published transcriptional studies. Experimental studies and prediction algorithms are not available or were not evaluated, and the functional significance of this variant is currently unknown. This variant has not been reported in the literature in individuals with BARD1-related conditions. This variant is not present in population databases (ExAC no frequency). This variant, c.1297_1298insTATTAAGTA, results in the deletion of 1 amino acid and insertion of 4 amino acids in the BARD1 protein (p.His433delinsLeuLeuSerAsn), but otherwise preserves the integrity of the reading frame.